The following is an entry in ClinVar:

NM_001042681.2(RERE):c.4487-5G>A

Gene: RERE (arginine-glutamic acid dipeptide repeats; minus strand). Cytogenetic location: 1p36.23.
Variant type: single nucleotide variant.
Coding change: c.4487-5G>A on transcript NM_001042681.2 (MANE Select); 5 bases into the intron before coding-DNA position 4487, G replaced by A.
Molecular consequence: intron variant.
Genome position (GRCh38, 1-based): chr1:8,355,604, C>T on the plus strand (G>A on the coding strand, the complement: RERE is on the minus strand). VCF-style: chr1-8355604-C-T. GRCh37 (hg19) VCF-style: chr1-8415664-C-T.
Other names: c.4487-5G>A (NM_012102.4); c.2825-5G>A (NM_001042682.2).
Identifiers: ClinVar variation 2888126 (VCV002888126.3), dbSNP rs772940396, ClinGen allele CA570761.

ClinVar aggregate classification (germline): Uncertain significance (1 of 4 stars; one submission).

Allele frequency attached by ClinVar (database versions not stated): TOPMed 0.00004.

Submission:

Labcorp Genetics (formerly Invitae), Labcorp
Classification: Uncertain significance. Last evaluated: 2024-02-12. Review status: criteria provided, single submitter. Criteria: Invitae Variant Classification Sherloc (09022015). Collection method: clinical testing. Allele origin: germline.
Comment: This sequence change falls in intron 22 of the RERE gene. It does not directly change the encoded amino acid sequence of the RERE protein. This variant is present in population databases (rs772940396, gnomAD 0.008%). This variant has not been reported in the literature in individuals affected with RERE-related conditions. Algorithms developed to predict the effect of sequence changes on RNA splicing suggest that this variant may disrupt the consensus splice site. In summary, the available evidence is currently insufficient to determine the role of this variant in disease. Therefore, it has been classified as a Variant of Uncertain Significance.